The following is an entry in ClinVar:

ClinVar aggregate classification (germline): Conflicting classifications of pathogenicity. Review status: criteria provided, conflicting classifications (1 of 4 stars). 6 submissions from 6 submitters: Uncertain significance (5); Likely benign (1). Last evaluated 2023-12-13.

Conditions:
Cardiovascular phenotype. Identifiers: MedGen CN230736.
Hypertrophic cardiomyopathy 17. Identifiers: MedGen C3151264, MONDO:0013474, OMIM 613873.
Hypertrophic cardiomyopathy. Also called: HYPERTROPHIC MYOCARDIOPATHY. Identifiers: Orphanet 217569, MedGen C0007194, MeSH D002312, MONDO:0005045, HP:0001639.

Allele frequency attached by ClinVar (database versions not stated): gnomAD 0.00001; TOPMed 0.00005; ExAC 0.00005; gnomAD exomes 0.00001 and 0.00003.
gnomAD v4.1: 16 of 1,572,816 alleles (0.001%); highest among the groups gnomAD compares: Admixed American, 0.015%; no homozygotes.

Submissions (6):

Labcorp Genetics (formerly Invitae), Labcorp
Classification: Uncertain significance for Hypertrophic cardiomyopathy. Last evaluated: 2023-12-13. Review status: criteria provided, single submitter. Criteria: Invitae Variant Classification Sherloc (09022015). Collection method: clinical testing. Allele origin: germline.
Comment: This sequence change replaces valine, which is neutral and non-polar, with alanine, which is neutral and non-polar, at codon 153 of the JPH2 protein (p.Val153Ala). This variant is present in population databases (rs776045429, gnomAD 0.02%). This variant has not been reported in the literature in individuals affected with JPH2-related conditions. ClinVar contains an entry for this variant (Variation ID: 201795). An algorithm developed to predict the effect of missense changes on protein structure and function (PolyPhen-2) suggests that this variant is likely to be tolerated. In summary, the available evidence is currently insufficient to determine the role of this variant in disease. Therefore, it has been classified as a Variant of Uncertain Significance.

Ambry Genetics
Classification: Likely benign for Cardiovascular phenotype. Last evaluated: 2023-11-13. Review status: criteria provided, single submitter. Criteria: Ambry Variant Classification Scheme 2023. Collection method: clinical testing. Allele origin: germline.

Blueprint Genetics
Classification: Uncertain significance. Last evaluated: 2021-09-21. Review status: criteria provided, single submitter. Criteria: ACMG Guidelines, 2015. Collection method: clinical testing. Allele origin: germline.

Fulgent Genetics
Classification: Uncertain significance for Hypertrophic cardiomyopathy 17. Last evaluated: 2018-10-31. Review status: criteria provided, single submitter. Criteria: ACMG Guidelines, 2015. Collection method: clinical testing. Allele origin: unknown.

Stanford Center for Inherited Cardiovascular Disease, Stanford University
Classification: Uncertain significance. Last evaluated: 2014-03-18. Review status: criteria provided, single submitter. Criteria: ACMG Guidelines, 2015. Collection method: provider interpretation. Allele origin: germline.

GeneDx
Classification: Uncertain significance. Last evaluated: 2014-03-11. Review status: criteria provided, single submitter. Criteria: GeneDx Variant Classification (06012015). Collection method: clinical testing. Allele origin: germline. Affected: yes.
Comment: The V153A variant has not been published as a mutation, nor has it been reported as a benign polymorphism to our knowledge. The V153A variant was not observed in approximately 6,000 individuals of European and African American ancestry in the NHLBI Exome Sequencing Project, indicating it is not a common benign variant in these populations. Nevertheless, the V153A variant is a conservative amino acid substitution, which is not likely to impact secondary protein structure as these residues share similar properties. This substitution occurs at a position that is not conserved across species. In silico analysis predicts this variant likely does not alter the protein structure/function. No missense mutations in nearby residues have been reported in association with cardiomyopathy, indicating this region of the protein may be tolerant of change. Therefore, based on the currently available information, it is unclear whether this variant is a pathogenic mutation or a rare benign variant. This variant is found in the CARDIOMYOPATHY panel(s).

NM_020433.5(JPH2):c.458T>C (p.Val153Ala)

Gene: JPH2 (junctophilin 2; minus strand). Cytogenetic location: 20q13.12.
Variant type: single nucleotide variant.
Coding change: c.458T>C on transcript NM_020433.5 (MANE Select); coding-DNA position 458, T replaced by C.
Protein change: p.Val153Ala; replaces valine 153 with alanine.
Molecular consequence: missense variant.
Genome position (GRCh38, 1-based): chr20:44,160,329, A>G on the plus strand (T>C on the coding strand, the complement: JPH2 is on the minus strand). VCF-style: chr20-44160329-A-G. GRCh37 (hg19) VCF-style: chr20-42788969-A-G.
Other names: p.V153A:GTG>GCG; short protein forms V153A.
Identifiers: ClinVar variation 201795 (VCV000201795.14), dbSNP rs776045429, ClinGen allele CA335217.